The following is an entry in ClinVar:

NM_000152.5(GAA):c.2467A>G (p.Ile823Val)

Gene: GAA (alpha glucosidase; plus strand). Cytogenetic location: 17q25.3.
Variant type: single nucleotide variant.
Coding change: c.2467A>G on transcript NM_000152.5 (MANE Select); coding-DNA position 2467, A replaced by G.
Protein change: p.Ile823Val; replaces isoleucine 823 with valine.
Molecular consequence: missense variant.
Genome position (GRCh38, 1-based): chr17:80,117,735, A>G. VCF-style: chr17-80117735-A-G. GRCh37 (hg19) VCF-style: chr17-78091534-A-G.
Other names: c.2467A>G, p.Ile823Val (NM_001079803.3, NM_001079804.3, NM_001406741.1 and 1 more transcripts); short protein forms I823V.
Identifiers: ClinVar variation 2967818 (VCV002967818.1), dbSNP rs758038288, ClinGen allele CA401325517.

ClinVar aggregate classification (germline): Uncertain significance (1 of 4 stars; one submission).

Conditions:
Glycogen storage disease, type II (IOPD). Also called: POMPE DISEASE, INFANTILE-ONSET; GLYCOGEN STORAGE DISEASE II, INFANTILE-ONSET; ACID ALPHA-GLUCOSIDASE DEFICIENCY, INFANTILE-ONSET; GAA DEFICIENCY, INFANTILE-ONSET; ACID MALTASE DEFICIENCY, INFANTILE-ONSET; Glucosidase acid-1,4-alpha deficiency. Identifiers: Orphanet 365, MedGen C0017921, MONDO:0009290, OMIM 232300.

gnomAD v4.1: 6 of 1,610,278 alleles (0.00037%); highest among the groups gnomAD compares: Non-Finnish European, 0.00042%; no homozygotes.

Submission:

Labcorp Genetics (formerly Invitae), Labcorp
Classification: Uncertain significance for Glycogen storage disease, type II. Last evaluated: 2023-08-04. Review status: criteria provided, single submitter. Criteria: Invitae Variant Classification Sherloc (09022015). Collection method: clinical testing. Allele origin: germline.
Comment: Algorithms developed to predict the effect of missense changes on protein structure and function output the following: SIFT: "Not Available"; PolyPhen-2: "Benign"; Align-GVGD: "Not Available". The valine amino acid residue is found in multiple mammalian species, which suggests that this missense change does not adversely affect protein function. This variant has not been reported in the literature in individuals affected with GAA-related conditions. This variant is present in population databases (no rsID available, gnomAD 0.002%). This sequence change replaces isoleucine, which is neutral and non-polar, with valine, which is neutral and non-polar, at codon 823 of the GAA protein (p.Ile823Val). In summary, the available evidence is currently insufficient to determine the role of this variant in disease. Therefore, it has been classified as a Variant of Uncertain Significance. Algorithms developed to predict the effect of sequence changes on RNA splicing suggest that this variant may create or strengthen a splice site.